The following is an entry in ClinVar:

ClinVar aggregate classification (germline): Uncertain significance (1 of 4 stars; one submission).

Conditions:
Charcot-Marie-Tooth disease axonal type 2O. Also called: CHARCOT-MARIE-TOOTH NEUROPATHY, AXONAL, TYPE 2O; CHARCOT-MARIE-TOOTH DISEASE, AXONAL, AUTOSOMAL DOMINANT, TYPE 2O; Charcot-Marie-Tooth Neuropathy Type 2O; Charcot-Marie-Tooth disease, axonal, type 20. Identifiers: Orphanet 284232, MedGen C3280220, MONDO:0013644, OMIM 614228.

Submission:

Labcorp Genetics (formerly Invitae), Labcorp
Classification: Uncertain significance for Charcot-Marie-Tooth disease axonal type 2O. Last evaluated: 2024-12-03. Review status: criteria provided, single submitter. Criteria: Invitae Variant Classification Sherloc (09022015). Collection method: clinical testing. Allele origin: germline.
Comment: This sequence change replaces alanine, which is neutral and non-polar, with proline, which is neutral and non-polar, at codon 51 of the DYNC1H1 protein (p.Ala51Pro). This variant is not present in population databases (gnomAD no frequency). This variant has not been reported in the literature in individuals affected with DYNC1H1-related conditions. Invitae Evidence Modeling of protein sequence and biophysical properties (such as structural, functional, and spatial information, amino acid conservation, physicochemical variation, residue mobility, and thermodynamic stability) indicates that this missense variant is not expected to disrupt DYNC1H1 protein function with a negative predictive value of 95%. In summary, the available evidence is currently insufficient to determine the role of this variant in disease. Therefore, it has been classified as a Variant of Uncertain Significance.

NM_001376.5(DYNC1H1):c.151G>C (p.Ala51Pro)

Gene: DYNC1H1 (dynein cytoplasmic 1 heavy chain 1; plus strand). Cytogenetic location: 14q32.31.
Variant type: single nucleotide variant.
Coding change: c.151G>C on transcript NM_001376.5 (MANE Select); coding-DNA position 151, G replaced by C.
Protein change: p.Ala51Pro; replaces alanine 51 with proline.
Molecular consequence: missense variant.
Genome position (GRCh38, 1-based): chr14:101,964,842, G>C. VCF-style: chr14-101964842-G-C. GRCh37 (hg19) VCF-style: chr14-102431179-G-C.
Other names: short protein forms A51P.
Identifiers: ClinVar variation 3685670 (VCV003685670.2).
Genomic context (GRCh38, chr14:101,964,842, plus strand): 5'-CAGAAGCACCTGCGCAAGCTGGTGCCGCTGCTGCTGGAGGACGGCGGCGAGGCGCCGGCC[G>C]CGCTGGAGGCGGCGCTGGAGGAGAAGAGCGCCCTGGAGCAGATGCGCAAGTTCCTTTCGG-3'
Protein context (NP_001367.2, residues 41-61): LLEDGGEAPA[Ala51Pro]LEAALEEKSA